The following is an entry in ClinVar:

ClinVar aggregate classification (germline): Pathogenic/Likely pathogenic. Review status: criteria provided, multiple submitters, no conflicts (2 of 4 stars). 3 submissions from 3 submitters: Pathogenic (2); Likely pathogenic (1). Last evaluated 2023-02-14.

Conditions:
Combined immunodeficiency with skin granulomas. Identifiers: Orphanet 157949, MedGen C2673536, MONDO:0009306, OMIM 233650.
Severe combined immunodeficiency, autosomal recessive, T cell-negative, B cell-negative, NK cell-positive. Also called: SCID, AR, T-cell negative, B-cell negative, NK cell-positive; Severe combined immunodeficiency due to complete RAG1/2 deficiency; SCID, T CELL-NEGATIVE, B CELL-NEGATIVE, NK CELL-POSITIVE. Identifiers: Orphanet 331206, MedGen C1832322, MONDO:0011086, OMIM 601457.

Allele frequency attached by ClinVar (database versions not stated): gnomAD exomes below 0.00001.
gnomAD v4.1: 3 of 1,614,116 alleles (0.00019%); highest among the groups gnomAD compares: Non-Finnish European, 0.00017%; no homozygotes.

Submissions (3):

Labcorp Genetics (formerly Invitae), Labcorp
Classification: Pathogenic for Combined immunodeficiency with skin granulomas; Severe combined immunodeficiency, autosomal recessive, T cell-negative, B cell-negative, NK cell-positive. Last evaluated: 2023-02-14. Review status: criteria provided, single submitter. Criteria: Invitae Variant Classification Sherloc (09022015). Collection method: clinical testing. Allele origin: germline.
Comment: This variant disrupts a region of the RAG1 protein in which other variant(s) (p.His994Arg) have been determined to be pathogenic (PMID: 33193364; Invitae). This suggests that this is a clinically significant region of the protein, and that variants that disrupt it are likely to be disease-causing. For these reasons, this variant has been classified as Pathogenic. ClinVar contains an entry for this variant (Variation ID: 871800). This premature translational stop signal has been observed in individual(s) with clinical features of RAG1 deficiency (PMID: 11133745, 24144642, 27095930, 32445296, 32888943). This variant is present in population databases (no rsID available, gnomAD 0.0009%). This sequence change creates a premature translational stop signal (p.Tyr589*) in the RAG1 gene. While this is not anticipated to result in nonsense mediated decay, it is expected to disrupt the last 455 amino acid(s) of the RAG1 protein.

Equipe Genetique des Anomalies du Developpement, Université de Bourgogne
Classification: Likely pathogenic for Severe combined immunodeficiency, autosomal recessive, T cell-negative, B cell-negative, NK cell-positive. Last evaluated: 2020-09-24. Review status: criteria provided, single submitter. Criteria: ACMG Guidelines, 2015. Collection method: clinical testing. Allele origin: biparental. Inheritance: Autosomal recessive inheritance. Affected: no.

CeGaT Center for Human Genetics Tuebingen
Classification: Pathogenic. Last evaluated: 2019-10-01. Review status: criteria provided, single submitter. Criteria: CeGaT Center For Human Genetics Tuebingen Variant Classification Criteria Version 2. Collection method: clinical testing. Allele origin: germline. Affected: yes. Observed: 1 variant allele.

Literature cited by the submitters: PubMed 33193364 (cited by Labcorp Genetics (formerly Invitae), Labcorp); PubMed 11133745 (cited by Labcorp Genetics (formerly Invitae), Labcorp); PubMed 24144642 (cited by Labcorp Genetics (formerly Invitae), Labcorp); PubMed 27095930 (cited by Labcorp Genetics (formerly Invitae), Labcorp); PubMed 32445296 (cited by Labcorp Genetics (formerly Invitae), Labcorp); PubMed 32888943 (cited by Labcorp Genetics (formerly Invitae), Labcorp).

NM_000448.3(RAG1):c.1767C>G (p.Tyr589Ter)

Gene: RAG1 (recombination activating 1; plus strand). Cytogenetic location: 11p12.
Variant type: single nucleotide variant.
Coding change: c.1767C>G on transcript NM_000448.3 (MANE Select); coding-DNA position 1767, C replaced by G.
Protein change: p.Tyr589Ter; replaces tyrosine 589 with a stop codon.
Molecular consequence: nonsense.
Genome position (GRCh38, 1-based): chr11:36,575,071, C>G. VCF-style: chr11-36575071-C-G. GRCh37 (hg19) VCF-style: chr11-36596621-C-G.
Other names: c.1767C>G (NM_000448.2); c.1767C>G, p.Tyr589Ter (NM_001377277.1, NM_001377278.1, NM_001377279.1 and 1 more transcripts); short protein forms Y589*.
Identifiers: ClinVar variation 871800 (VCV000871800.45), dbSNP rs991089005, ClinGen allele CA380153252.